The following is an entry in ClinVar:

ClinVar aggregate classification (germline): Pathogenic (1 of 4 stars; one submission).

Submission:

Labcorp Genetics (formerly Invitae), Labcorp
Classification: Pathogenic. Last evaluated: 2024-03-23. Review status: criteria provided, single submitter. Criteria: Invitae Variant Classification Sherloc (09022015). Collection method: clinical testing. Allele origin: germline.
Comment: This sequence change creates a premature translational stop signal (p.Lys2213*) in the EYS gene. It is expected to result in an absent or disrupted protein product. Loss-of-function variants in EYS are known to be pathogenic (PMID: 18836446, 20333770). This variant is not present in population databases (gnomAD no frequency). This variant has not been reported in the literature in individuals affected with EYS-related conditions. For these reasons, this variant has been classified as Pathogenic.

Literature cited by the submitters: PubMed 18836446; PubMed 20333770.

NM_001142800.2(EYS):c.6637A>T (p.Lys2213Ter)

Gene: EYS (EGF-like photoreceptor maintenance factor; minus strand). Cytogenetic location: 6q12.
Variant type: single nucleotide variant.
Coding change: c.6637A>T on transcript NM_001142800.2 (MANE Select); coding-DNA position 6637, A replaced by T.
Protein change: p.Lys2213Ter; replaces lysine 2213 with a stop codon.
Molecular consequence: nonsense.
Genome position (GRCh38, 1-based): chr6:64,066,426, T>A on the plus strand (A>T on the coding strand, the complement: EYS is on the minus strand). VCF-style: chr6-64066426-T-A. GRCh37 (hg19) VCF-style: chr6-64776319-T-A.
Other names: c.6637A>T, p.Lys2213Ter (NM_001292009.2); short protein forms K2213*.
Identifiers: ClinVar variation 2757272 (VCV002757272.3), dbSNP rs2533552479, ClinGen allele CA364389737.